The following is an entry in ClinVar:

ClinVar aggregate classification (germline): Uncertain significance (1 of 4 stars; one submission).

Conditions:
Bardet-Biedl syndrome (BBS). Identifiers: Orphanet 110, MedGen C0752166, MONDO:0015229.

Submission:

Labcorp Genetics (formerly Invitae), Labcorp
Classification: Uncertain significance for Bardet-Biedl syndrome. Last evaluated: 2022-05-22. Review status: criteria provided, single submitter. Criteria: Invitae Variant Classification Sherloc (09022015). Collection method: clinical testing. Allele origin: germline.
Comment: This sequence change replaces histidine, which is basic and polar, with proline, which is neutral and non-polar, at codon 715 of the BBS10 protein (p.His715Pro). This variant is not present in population databases (gnomAD no frequency). This variant has not been reported in the literature in individuals affected with BBS10-related conditions. Algorithms developed to predict the effect of missense changes on protein structure and function (SIFT, PolyPhen-2, Align-GVGD) all suggest that this variant is likely to be tolerated. In summary, the available evidence is currently insufficient to determine the role of this variant in disease. Therefore, it has been classified as a Variant of Uncertain Significance.

NM_024685.4(BBS10):c.2144A>C (p.His715Pro)

Gene: BBS10 (Bardet-Biedl syndrome 10; minus strand). Cytogenetic location: 12q21.2.
Variant type: single nucleotide variant.
Coding change: c.2144A>C on transcript NM_024685.4 (MANE Select); coding-DNA position 2144, A replaced by C.
Protein change: p.His715Pro; replaces histidine 715 with proline.
Molecular consequence: missense variant.
Genome position (GRCh38, 1-based): chr12:76,345,841, T>G on the plus strand (A>C on the coding strand, the complement: BBS10 is on the minus strand). VCF-style: chr12-76345841-T-G. GRCh37 (hg19) VCF-style: chr12-76739621-T-G.
Other names: short protein forms H715P.
Identifiers: ClinVar variation 2415742 (VCV002415742.2), dbSNP rs769179905, ClinGen allele CA385808207.